The following is an entry in ClinVar:

ClinVar aggregate classification (germline): Pathogenic (1 of 4 stars; one submission).

Conditions:
Neurofibromatosis, type 1 (NF1). Also called: Peripheral type neurofibromatosis; Neurofibromatosis, type I; VON RECKLINGHAUSEN DISEASE; NEUROFIBROMATOSIS, TYPE I, SOMATIC. Identifiers: Orphanet 636, MedGen C0027831, MONDO:0018975, OMIM 162200. Disease mechanism: loss of function.

Submission:

Centro Nacional de Genética Medica, Administración Nacional de Laboratorios e Institutos de Salud (ANLIS) “Dr. Carlos G Malbrán”
Classification: Pathogenic for Neurofibromatosis, type 1. Last evaluated: 2025-06-10. Review status: criteria provided, single submitter. Criteria: ACMG Guidelines, 2015. Collection method: clinical testing. Allele origin: germline. Affected: yes. Observed: 2 variant alleles.
Comment: This results in a frameshift mutation starting at phenylalanine at position 1319, which leads to a premature translation stop codon 8 residues away (p.Phe1319Leufs*8), a frameshift variant. This type of variant typically results in the deletion of messenger RNA through nonsense-mediated decay (NMD) (PMID: 16757948; PMID: 17352659). Consequently, translation would not occur, and a lack of protein from the variant allele is predicted. This is a variant not previously reported in the literature. The gene is classified by ClinGen as haploinsufficient, and there is evidence that its loss of function is a mechanism of pathology. PMID: 1757093, reported a de novo nonsense variant (p.Arg365*) in exon 4 of NF1 in a patient with Neurofibromatosis type 1. PMID: 1302608, reported a frameshift mutation due to a cytosine insertion at position 5662, leading to a premature translation stop codon in a patient with Neurofibromatosis type 1. PMID: 34427956, reported two patients with an NF1 gene deletion, 12 patients with nonsense variants, 11 frameshift variants, and eight splice site variants, all with the Neurofibromatosis type 1 (PVS1) phenotype. The variant found is not present in population databases such as GnomAD, ExAc, or 1000 Genomes (PM2_Supporting). The patient's phenotype is consistent with Neurofibromatosis type 1 as explained above (PP4).

Literature cited by the submitters: PubMed 16757948; PubMed 17352659; PubMed 1757093; PubMed 1302608; PubMed 34427956.

NM_001042492.3(NF1):c.3957del (p.Phe1319fs)

Gene: NF1 (neurofibromin 1; plus strand). Cytogenetic location: 17q11.2.
Variant type: Deletion.
Coding change: c.3957del on transcript NM_001042492.3 (MANE Select); coding-DNA position 3957, one base deleted (T; older notation c.3957delT).
Protein change: p.Phe1319fs; shifts the reading frame from phenylalanine 1319.
Molecular consequence: frameshift variant.
Genome position (GRCh38, 1-based): chr17:31,236,004, T deleted; the last of 3 consecutive T bases (chr17:31,236,002-31,236,004); deleting any one gives the same sequence. VCF-style (leftmost placement, unchanged base first): chr17-31236001-CT-C. GRCh37 (hg19) VCF-style: chr17-29563019-CT-C.
Other names: c.3957del, p.Phe1319fs (NM_000267.4); short protein forms F1319fs.
Identifiers: ClinVar variation 4871708 (VCV004871708.1).